The following is an entry in ClinVar:

ClinVar aggregate classification (germline): Uncertain significance. Review status: criteria provided, multiple submitters, no conflicts (2 of 4 stars). 6 submissions from 6 submitters: Uncertain significance (5). 1 of the submissions does not count toward it. Last evaluated 2025-06-12.

Conditions:
Peroxisome biogenesis disorder 4A (Zellweger) (PBD4A). Also called: Zellweger syndrome spectrum (PEX6-related). Identifiers: Orphanet 912, MedGen C3553936, MONDO:0013930, OMIM 614862. Disease mechanism: loss of function.
Peroxisome biogenesis disorder 4B (PBD4B). Also called: SPINOCEREBELLAR ATAXIA WITH BLINDNESS AND DEAFNESS 1. Identifiers: Orphanet 44, Orphanet 95433, MedGen C3553937, MONDO:0013931, OMIM 614863.
Peroxisome biogenesis disorder. Identifiers: Orphanet 79189, MedGen C1832200, MONDO:0019234. Disease mechanism: loss of function.
PEX6-related disorder. Also called: PEX6-related condition; PEX6-related disorders.

Allele frequency attached by ClinVar (database versions not stated): TOPMed below 0.00001; gnomAD 0.00001; gnomAD exomes 0.00012; ExAC 0.00021; 1000 Genomes Project 30x 0.00031.
gnomAD v4.1: 79 of 1,613,210 alleles (0.0049%); highest among the groups gnomAD compares: Non-Finnish European, 0.0062%; no homozygotes.

Submissions (6):

ARUP Laboratories, Molecular Genetics and Genomics, ARUP Laboratories
Classification: Uncertain significance. Last evaluated: 2025-06-12. Review status: criteria provided, single submitter. Criteria: ARUP Molecular Germline Variant Investigation Process 2024. Collection method: clinical testing. Allele origin: germline.
Comment: The PEX6 c.2225T>C; p.Leu742Pro variant (rs267608235, ClinVar Variation ID: 552309) is reported in the literature in an individual with clinical features of peroxisome biogenesis disorder 4A (Ebberink 2010). This variant is found in the non-Finnish European population with an allele frequency of 0.026% (26/112936 alleles) in the Genome Aggregation Database (v2.1.1). Computational analyses predict that this variant is deleterious (REVEL: 0.964). Due to limited information, the clinical significance of this variant is uncertain at this time. References: Ebberink MS et al. Spectrum of PEX6 mutations in Zellweger syndrome spectrum patients. Hum Mutat. 2010 Jan;31(1):E1058-70. PMID: 19877282.

PreventionGenetics, part of Exact Sciences
Classification: Uncertain significance for PEX6-related condition. Last evaluated: 2025-04-11. Review status: criteria provided, single submitter. Criteria: ACMG Guidelines, 2015. Collection method: clinical testing. Allele origin: germline.
Comment: The PEX6 c.2225T>C variant is predicted to result in the amino acid substitution p.Leu742Pro. This variant has been reported in a cohort study of Zellweger syndrome (Ebberink et al. 2010. PubMed ID: 19877282) and in the homozygous state in a unspecified rare disease patient (Table S7, Stranneheim et al. 2021. PubMed ID: 33726816). This variant is present in 0.026% of alleles in individuals of European (Non-Finnish) descent in gnomAD. At this time, the clinical significance of this variant is uncertain due to the absence of conclusive functional and genetic evidence.

Center for Personalized Medicine, Children's Hospital Los Angeles
Classification: Uncertain significance. Last evaluated: 2022-12-21. Review status: criteria provided, single submitter. Criteria: ACMG Guidelines, 2015. Collection method: clinical testing. Allele origin: inherited. Affected: yes.

Labcorp Genetics (formerly Invitae), Labcorp
Classification: Uncertain significance for Peroxisome biogenesis disorder. Last evaluated: 2021-08-27. Review status: criteria provided, single submitter. Criteria: Invitae Variant Classification Sherloc (09022015). Collection method: clinical testing. Allele origin: germline.
Comment: This sequence change replaces leucine with proline at codon 742 of the PEX6 protein (p.Leu742Pro). The leucine residue is highly conserved and there is a moderate physicochemical difference between leucine and proline. This variant is present in population databases (rs267608235, ExAC 0.04%). This missense change has been observed in individual(s) with clinical features of Zellweger spectrum disorder (PMID: 19877282). ClinVar contains an entry for this variant (Variation ID: 552309). Algorithms developed to predict the effect of missense changes on protein structure and function (SIFT, PolyPhen-2, Align-GVGD) all suggest that this variant is likely to be disruptive. In summary, the available evidence is currently insufficient to determine the role of this variant in disease. Therefore, it has been classified as a Variant of Uncertain Significance.

Blueprint Genetics
Classification: Uncertain significance. Last evaluated: 2020-04-09. Review status: criteria provided, single submitter. Criteria: ACMG Guidelines, 2015. Collection method: clinical testing. Allele origin: germline.

Counsyl
Classification: Uncertain significance for Peroxisome biogenesis disorder 4A (Zellweger); Peroxisome biogenesis disorder 4B. Last evaluated: 2017-06-05. Review status: no assertion criteria provided. Collection method: clinical testing. Allele origin: unknown. Not counted in ClinVar's aggregate classification.

Literature cited by the submitters: PubMed 19877282 (cited by Labcorp Genetics (formerly Invitae), Labcorp and Counsyl).

NM_000287.4(PEX6):c.2225T>C (p.Leu742Pro)

Gene: PEX6 (peroxisomal biogenesis factor 6; minus strand). Cytogenetic location: 6p21.1.
Variant type: single nucleotide variant.
Coding change: c.2225T>C on transcript NM_000287.4 (MANE Select); coding-DNA position 2225, T replaced by C.
Protein change: p.Leu742Pro; replaces leucine 742 with proline.
Molecular consequence: missense variant.
Genome position (GRCh38, 1-based): chr6:42,966,317, A>G on the plus strand (T>C on the coding strand, the complement: PEX6 is on the minus strand). VCF-style: chr6-42966317-A-G. GRCh37 (hg19) VCF-style: chr6-42934055-A-G.
Other names: c.1961T>C, p.Leu654Pro (NM_001316313.2); short protein forms L742P, L654P.
Identifiers: ClinVar variation 552309 (VCV000552309.11), dbSNP rs267608235, ClinGen allele CA3811099.